The following is an entry in ClinVar:

NM_001370259.2(MEN1):c.418dup (p.Ile140fs)

Gene: MEN1 (menin 1; minus strand). Cytogenetic location: 11q13.1.
Variant type: Duplication.
Coding change: c.418dup on transcript NM_001370259.2 (MANE Select); coding-DNA position 418, one base duplicated (A; older notation c.418dupA).
Protein change: p.Ile140fs; shifts the reading frame from isoleucine 140.
Molecular consequence: frameshift variant. On other transcripts: non-coding transcript variant (4).
Genome position (GRCh38, 1-based): chr11:64,809,692, T duplicated on the plus strand (A on the coding strand, the reverse complement: MEN1 is on the minus strand). VCF-style (leftmost placement, unchanged base first): chr11-64809691-A-AT. GRCh37 (hg19) VCF-style: chr11-64577163-A-AT.
Other names: c.418dup, p.Ile140fs (NM_000244.4, NM_001370251.2, NM_001370260.2 and 20 more transcripts); short protein forms I140fs.
Identifiers: ClinVar variation 2846173 (VCV002846173.3), dbSNP rs2497257517, ClinGen allele CA2739270484.

ClinVar aggregate classification (germline): Pathogenic (1 of 4 stars; one submission).

Conditions:
Multiple endocrine neoplasia, type 1 (MEN1). Also called: MEN I; WERMER SYNDROME; Endocrine adenomatosis multiple; MEN 1; MEA I. Identifiers: Orphanet 652, MedGen C0025267, MeSH D018761, MONDO:0007540, OMIM 131100.

Submission:

Labcorp Genetics (formerly Invitae), Labcorp
Classification: Pathogenic for Multiple endocrine neoplasia, type 1. Last evaluated: 2024-05-01. Review status: criteria provided, single submitter. Criteria: Invitae Variant Classification Sherloc (09022015). Collection method: clinical testing. Allele origin: germline.
Comment: This sequence change creates a premature translational stop signal (p.Ile140Asnfs*40) in the MEN1 gene. It is expected to result in an absent or disrupted protein product. Loss-of-function variants in MEN1 are known to be pathogenic (PMID: 12112656, 17853334). This variant is not present in population databases (gnomAD no frequency). This variant has not been reported in the literature in individuals affected with MEN1-related conditions. For these reasons, this variant has been classified as Pathogenic.

Literature cited by the submitters: PubMed 12112656; PubMed 17853334.